The following is an entry in ClinVar:

NM_006035.4(CDC42BPB):c.4083G>C (p.Lys1361Asn)

Gene: CDC42BPB (CDC42 binding protein kinase beta; minus strand). Cytogenetic location: 14q32.32.
Variant type: single nucleotide variant.
Coding change: c.4083G>C on transcript NM_006035.4 (MANE Select); coding-DNA position 4083, G replaced by C.
Protein change: p.Lys1361Asn; replaces lysine 1361 with asparagine.
Molecular consequence: missense variant.
Genome position (GRCh38, 1-based): chr14:102,944,216, C>G on the plus strand (G>C on the coding strand, the complement: CDC42BPB is on the minus strand). VCF-style: chr14-102944216-C-G. GRCh37 (hg19) VCF-style: chr14-103410553-C-G.
Other names: c.4005G>C, p.Lys1335Asn (NM_001411054.1); short protein forms K1335N, K1361N.
Identifiers: ClinVar variation 4853649 (VCV004853649.1).

ClinVar aggregate classification (germline): Uncertain significance (1 of 4 stars; one submission).

Submission:

Women's Health and Genetics/Laboratory Corporation of America, LabCorp
Classification: Uncertain significance. Last evaluated: 2026-05-27. Review status: criteria provided, single submitter. Criteria: LabCorp Variant Classification Summary - May 2015. Collection method: clinical testing. Allele origin: germline.
Comment: Variant summary: CDC42BPB c.4083G>C (p.Lys1361Asn) results in a non-conservative amino acid change in the encoded protein sequence. Algorithms developed to predict the effect of missense changes on protein structure and function are either unavailable or do not agree on the potential impact of this missense change. The variant was absent in 250442 control chromosomes. The available data on variant occurrences in the general population are insufficient to allow any conclusion about variant significance. To our knowledge, no occurrence of c.4083G>C in individuals affected with CDC42BPB-related conditions and no experimental evidence demonstrating its impact on protein function have been reported. No submitters have cited clinical-significance assessments for this variant to ClinVar. Based on the evidence outlined above, the variant was classified as uncertain significance.